The following is an entry in ClinVar:

ClinVar aggregate classification (germline): Pathogenic/Likely pathogenic. Review status: criteria provided, multiple submitters, no conflicts (2 of 4 stars). 5 submissions from 5 submitters: Pathogenic (1); Likely pathogenic (3). 1 of the submissions does not count toward it. Last evaluated 2026-04-27.

Conditions:
Hereditary cancer-predisposing syndrome. Also called: Tumor predisposition; Hereditary neoplastic syndrome; Hereditary Cancer Syndrome; Neoplastic Syndromes, Hereditary. Identifiers: Orphanet 140162, MedGen C0027672, MeSH D009386, MONDO:0015356.
Bloom syndrome (BLM). Also called: Bloom-Torre-Machacek syndrome. Identifiers: Orphanet 125, MedGen C0005859, MONDO:0008876, OMIM 210900.

Submissions (5):

Myriad Genetics, Inc.
Classification: Likely pathogenic for Bloom syndrome. Last evaluated: 2026-04-27. Review status: criteria provided, single submitter. Criteria: Myriad Autosomal Dominant, Autosomal Recessive and X-Linked Classification Criteria (2023). Collection method: clinical testing. Allele origin: unknown.
Comment: NM_000057.3(BLM):c.2193+1G>A is a variant in a canonical splice site classified as likely pathogenic in the context of Bloom syndrome. c.2193+1G>A has not been observed in cases with relevant disease. Relevant functional assessments of this variant are not available in the literature. c.2193+1G>A has not been observed in referenced population frequency databases. In summary, NM_000057.3(BLM):c.2193+1G>A is a variant in a canonical splice site in a gene where loss of function is a known mechanism of disease and is predicted to disrupt protein function. Please note: this variant was assessed in the context of healthy population screening.

Labcorp Genetics (formerly Invitae), Labcorp
Classification: Likely pathogenic for Bloom syndrome. Last evaluated: 2022-05-27. Review status: criteria provided, single submitter. Criteria: Invitae Variant Classification Sherloc (09022015). Collection method: clinical testing. Allele origin: germline.
Comment: This sequence change affects a donor splice site in intron 9 of the BLM gene. It is expected to disrupt RNA splicing. Variants that disrupt the donor or acceptor splice site typically lead to a loss of protein function (PMID: 16199547), and loss-of-function variants in BLM are known to be pathogenic (PMID: 17407155). This variant is not present in population databases (gnomAD no frequency). Disruption of this splice site has been observed in individual(s) with Bloom syndrome (PMID: 17407155). ClinVar contains an entry for this variant (Variation ID: 694326). Algorithms developed to predict the effect of sequence changes on RNA splicing suggest that this variant may disrupt the consensus splice site. In summary, the currently available evidence indicates that the variant is pathogenic, but additional data are needed to prove that conclusively. Therefore, this variant has been classified as Likely Pathogenic.

Institute of Human Genetics, University of Goettingen
Classification: Pathogenic for Bloom syndrome. Last evaluated: 2019-09-27. Review status: criteria provided, single submitter. Criteria: ACMG Guidelines, 2015. Collection method: clinical testing. Allele origin: inherited. Affected: yes. Observed: 1 homozygote.

Ambry Genetics
Classification: Likely pathogenic for Hereditary cancer-predisposing syndrome. Last evaluated: 2018-02-22. Review status: criteria provided, single submitter. Criteria: Ambry Variant Classification Scheme 2023. Collection method: clinical testing. Allele origin: germline.
Comment: The c.2193+1G>A intronic variant results from a G to A substitution one nucleotide after coding exon 8 of the BLM gene. This nucleotide position is highly conserved in available vertebrate species. Using the BDGP and ESEfinder splice site prediction tools, this alteration is predicted to abolish the native splice donor site; however, direct evidence is unavailable. Alterations that disrupt the canonical splice site are expected to cause aberrant splicing, resulting in an abnormal protein or a transcript that is subject to nonsense-mediated mRNA decay. As such, this alteration is classified as likely pathogenic.

Natera, Inc.
Classification: Likely pathogenic for Bloom syndrome. Last evaluated: 2021-07-21. Review status: no assertion criteria provided. Collection method: clinical testing. Allele origin: germline. Not counted in ClinVar's aggregate classification.

Literature cited by the submitters: PubMed 16199547 (cited by Labcorp Genetics (formerly Invitae), Labcorp); PubMed 17407155 (cited by Labcorp Genetics (formerly Invitae), Labcorp).

NM_000057.4(BLM):c.2193+1G>A

Gene: BLM (BLM RecQ like helicase; plus strand). Cytogenetic location: 15q26.1.
Variant type: single nucleotide variant.
Coding change: c.2193+1G>A on transcript NM_000057.4 (MANE Select); the canonical splice donor site of the intron after coding-DNA position 2193, G replaced by A.
Molecular consequence: splice donor variant.
Genome position (GRCh38, 1-based): chr15:90,765,415, G>A. VCF-style: chr15-90765415-G-A. GRCh37 (hg19) VCF-style: chr15-91308645-G-A.
Other names: RECQL3 : RecQ Protein-like 3; c.2193+1G>A (NM_001287246.2, NM_001287247.2); c.1068+1G>A (NM_001287248.2).
Identifiers: ClinVar variation 694326 (VCV000694326.18), dbSNP rs865866188, ClinGen allele CA274740782.